The following is an entry in ClinVar:

GRCh38/hg38 2q13(chr2:110104900-110209066)x1

Genes: MALL (mal, T cell differentiation protein like; minus strand), NPHP1 (nephrocystin 1; minus strand), LOC126806305 (BRD4-independent group 4 enhancer GRCh37_chr2:110863055-110864254; plus strand), LOC126806306 (P300/CBP strongly-dependent group 1 enhancer GRCh37_chr2:110906815-110908014; plus strand). Cytogenetic location: 2q13.
Variant type: copy number loss.
Change: copy number 1 (one copy instead of two) of chr2:110,104,900-110,209,066 (104.2 kb, GRCh38 coordinates, 1-based), cytogenetic band 2q13.
Identifiers: ClinVar variation 144826 (VCV000144826.3).

ClinVar aggregate classification (germline): Benign/Likely benign (0 of 4 stars; one submission).

Submission:

ISCA Site 6
Classification: Benign/Likely benign. Last evaluated: 2011-04-30. Review status: no assertion criteria provided. Collection method: clinical testing. Allele origin: unknown. Affected: yes. Observed: 8 variant alleles. Clinical features observed: Developmental delay AND/OR other significant developmental or morphological phenotypes.
Comment: Likely benign (1), Benign (7)

Copy number variation identified through the course of routine clinical cytogenomic testing in postnatal populations, with clinical assertions as classified by the original submitter. For data from the original published study, Kaminsky, et al. 2011 (PubMed 21844811), please see nstd101.